The following is an entry in ClinVar:

ClinVar aggregate classification (germline): Uncertain significance (1 of 4 stars; one submission).

gnomAD v4.1: 19 of 1,609,050 alleles (0.0012%); highest among the groups gnomAD compares: Non-Finnish European, 0.0016%; no homozygotes.

Submission:

Labcorp Genetics (formerly Invitae), Labcorp
Classification: Uncertain significance. Last evaluated: 2025-04-23. Review status: criteria provided, single submitter. Criteria: Invitae Variant Classification Sherloc (09022015). Collection method: clinical testing. Allele origin: germline.
Comment: This sequence change replaces aspartic acid, which is acidic and polar, with histidine, which is basic and polar, at codon 461 of the MYLK3 protein (p.Asp461His). This variant is present in population databases (rs375700169, gnomAD 0.002%). This variant has not been reported in the literature in individuals affected with MYLK3-related conditions. ClinVar contains an entry for this variant (Variation ID: 3608349). An algorithm developed to predict the effect of missense changes on protein structure and function (PolyPhen-2) suggests that this variant is likely to be disruptive. In summary, the available evidence is currently insufficient to determine the role of this variant in disease. Therefore, it has been classified as a Variant of Uncertain Significance.

NM_182493.3(MYLK3):c.1381G>C (p.Asp461His)

Gene: MYLK3 (myosin light chain kinase 3; minus strand). Cytogenetic location: 16q11.2.
Variant type: single nucleotide variant.
Coding change: c.1381G>C on transcript NM_182493.3 (MANE Select); coding-DNA position 1381, G replaced by C.
Protein change: p.Asp461His; replaces aspartic acid 461 with histidine.
Molecular consequence: missense variant.
Genome position (GRCh38, 1-based): chr16:46,732,289, C>G on the plus strand (G>C on the coding strand, the complement: MYLK3 is on the minus strand). VCF-style: chr16-46732289-C-G. GRCh37 (hg19) VCF-style: chr16-46766201-C-G.
Other names: c.358G>C, p.Asp120His (NM_001308301.1); short protein forms D120H, D461H.
Identifiers: ClinVar variation 3608349 (VCV003608349.2).